The following is an entry in ClinVar:

NM_007294.4(BRCA1):c.2510T>C (p.Val837Ala)

Gene: BRCA1 (BRCA1 DNA repair associated; minus strand). Cytogenetic location: 17q21.31.
Variant type: single nucleotide variant.
Coding change: c.2510T>C on transcript NM_007294.4 (MANE Select); coding-DNA position 2510, T replaced by C.
Protein change: p.Val837Ala; replaces valine 837 with alanine.
Molecular consequence: missense variant. On other transcripts: intron variant (137).
Genome position (GRCh38, 1-based): chr17:43,093,021, A>G on the plus strand (T>C on the coding strand, the complement: BRCA1 is on the minus strand). VCF-style: chr17-43093021-A-G. GRCh37 (hg19) VCF-style: chr17-41245038-A-G.
Other names: c.577+1723T>C (NM_001408483.1, NM_001408485.1, NM_001408514.1 and 9 more transcripts); c.2246T>C, p.Val749Ala (NM_001407921.1, NM_001407922.1, NM_001407923.1 and 9 more transcripts); c.664+1723T>C (NM_001408442.1, NM_001408426.1, NM_001408427.1 and 12 more transcripts); c.787+1723T>C (NM_001407981.1, NM_007298.4, NM_001407978.1 and 17 more transcripts); c.643+1723T>C (NM_001408462.1, NM_001408465.1, NM_001408463.1 and 3 more transcripts); c.709+1723T>C (NM_001408414.1, NM_001408411.1, NM_001408409.1 and 2 more transcripts); c.2507T>C, p.Val836Ala (NM_001407635.1, NM_001407636.1, NM_001407637.1 and 22 more transcripts); c.2510T>C, p.Val837Ala (NM_001407639.1, NM_001407640.1, NM_001407641.1 and 30 more transcripts); and 41 more; short protein forms V766A, V769A, V770A, V725A, V748A, V767A, V795A, V810A.
Identifiers: ClinVar variation 3992590 (VCV003992590.1).
Genomic context (GRCh38, chr17:43,093,021, plus strand): 5'-AAATACTGAGCATCAAGTTCACTTTCTTCCATTTCTATGCTTGTTTCCCGACTGTGGTTA[A>G]CTTCATGTCCCAATGGATACTTAAAGCCTTCTGTGTCATTTCTATTATCTTTGGAACAAC-3'
Protein context (NP_009225.1, residues 827-847): EGFKYPLGHE[Val837Ala]NHSRETSIEM

ClinVar aggregate classification (germline): Uncertain significance (1 of 4 stars; one submission).

Conditions:
Hereditary cancer-predisposing syndrome. Also called: Tumor predisposition; Hereditary neoplastic syndrome; Neoplastic Syndromes, Hereditary; Hereditary Cancer Syndrome. Identifiers: Orphanet 140162, MedGen C0027672, MeSH D009386, MONDO:0015356.

Submission:

Ambry Genetics
Classification: Uncertain significance for Hereditary cancer-predisposing syndrome. Last evaluated: 2025-04-01. Review status: criteria provided, single submitter. Criteria: Ambry Variant Classification Scheme 2023. Collection method: clinical testing. Allele origin: germline.
Comment: The p.V837A variant (also known as c.2510T>C), located in coding exon 9 of the BRCA1 gene, results from a T to C substitution at nucleotide position 2510. The valine at codon 837 is replaced by alanine, an amino acid with similar properties. This amino acid position is not well conserved in available vertebrate species. In addition, this alteration is predicted to be tolerated by in silico analysis. Based on the available evidence, the clinical significance of this variant remains unclear.